The following is an entry in ClinVar:

NM_203288.2(RP9):c.157G>A (p.Glu53Lys)

Gene: RP9 (RP9 pre-mRNA splicing factor; minus strand). Cytogenetic location: 7p14.3.
Variant type: single nucleotide variant.
Coding change: c.157G>A on transcript NM_203288.2 (MANE Select); coding-DNA position 157, G replaced by A.
Protein change: p.Glu53Lys; replaces glutamic acid 53 with lysine.
Molecular consequence: missense variant.
Genome position (GRCh38, 1-based): chr7:33,100,557, C>T on the plus strand (G>A on the coding strand, the complement: RP9 is on the minus strand). VCF-style: chr7-33100557-C-T. GRCh37 (hg19) VCF-style: chr7-33140169-C-T.
Other names: short protein forms E53K.
Identifiers: ClinVar variation 1946585 (VCV001946585.5), dbSNP rs770824356, ClinGen allele CA4213807.
Genomic context (GRCh38, chr7:33,100,557, plus strand): 5'-GTGGAATAACCAAGAGTACAAACTTCACACTAACCTTGATAAGCCCAGGAGGAGGTTTTT[C>T]GTAACTGGAAAACAAAAAACAAAACCTTATCAACCATGTTAATGTAAACATAACACATCA-3'
Protein context (NP_976033.1, residues 43-63): QQLKHLESFY[Glu53Lys]KPPPGLIKED

ClinVar aggregate classification (germline): Uncertain significance (1 of 4 stars; one submission).

Allele frequency attached by ClinVar (database versions not stated): ExAC 0.00001; gnomAD exomes 0.00001; gnomAD 0.00004; TOPMed 0.00004.
gnomAD v4.1: 27 of 1,613,258 alleles (0.0017%); highest among the groups gnomAD compares: Admixed American, 0.0033%; no homozygotes.

Submission:

Labcorp Genetics (formerly Invitae), Labcorp
Classification: Uncertain significance. Last evaluated: 2025-09-06. Review status: criteria provided, single submitter. Criteria: Invitae Variant Classification Sherloc (09022015). Collection method: clinical testing. Allele origin: germline.
Comment: This sequence change replaces glutamic acid, which is acidic and polar, with lysine, which is basic and polar, at codon 53 of the RP9 protein (p.Glu53Lys). This variant is present in population databases (rs770824356, gnomAD 0.003%). This variant has not been reported in the literature in individuals affected with RP9-related conditions. ClinVar contains an entry for this variant (Variation ID: 1946585). An algorithm developed to predict the effect of missense changes on protein structure and function (PolyPhen-2) suggests that this variant is likely to be disruptive. In summary, the available evidence is currently insufficient to determine the role of this variant in disease. Therefore, it has been classified as a Variant of Uncertain Significance.